The following is an entry in ClinVar:

ClinVar aggregate classification (germline): Conflicting classifications of pathogenicity. Review status: criteria provided, conflicting classifications (1 of 4 stars). 4 submissions from 4 submitters: Uncertain significance (2); Likely benign (1). 1 of the submissions does not count toward it. Last evaluated 2026-01-24.

Conditions:
Inborn genetic diseases. Identifiers: MedGen C0950123, MeSH D030342.
Glutaric aciduria, type 1. Also called: Glutaricacidemia Type 1; Glutaricaciduria, type I; GA I; Glutaric Acidemia Type 1; Glutaryl-CoA dehydrogenase deficiency; Glutaric acidemia type I. Identifiers: Orphanet 25, MedGen C0268595, MONDO:0009281, OMIM 231670.

Allele frequency attached by ClinVar (database versions not stated): gnomAD 0.00001; TOPMed 0.00001; gnomAD exomes 0.00003 and 0.00005; ExAC 0.00008.
gnomAD v4.1: 52 of 1,613,652 alleles (0.0032%); highest among the groups gnomAD compares: Middle Eastern, 0.05%; no homozygotes.

Submissions (4):

Labcorp Genetics (formerly Invitae), Labcorp
Classification: Likely benign for Glutaric aciduria, type 1. Last evaluated: 2026-01-24. Review status: criteria provided, single submitter. Criteria: Invitae Variant Classification Sherloc (09022015). Collection method: clinical testing. Allele origin: germline.

Ambry Genetics
Classification: Uncertain significance for Inborn genetic diseases. Last evaluated: 2024-12-31. Review status: criteria provided, single submitter. Criteria: Ambry Variant Classification Scheme 2023. Collection method: clinical testing. Allele origin: germline.

Women's Health and Genetics/Laboratory Corporation of America, LabCorp
Classification: Uncertain significance. Last evaluated: 2023-05-01. Review status: criteria provided, single submitter. Criteria: LabCorp Variant Classification Summary - May 2015. Collection method: clinical testing. Allele origin: germline.
Comment: Variant summary: GCDH c.826G>T (p.Val276Leu) results in a conservative amino acid change in the encoded protein sequence. Four of five in-silico tools predict a benign effect of the variant on protein function. The variant allele was found at a frequency of 5.2e-05 in 249512 control chromosomes. This frequency is not significantly higher than estimated for a pathogenic variant in GCDH causing Glutaric Acidemia Type 1 (5.2e-05 vs 0.0035), allowing no conclusion about variant significance. To our knowledge, no occurrence of c.826G>T in individuals affected with Glutaric Acidemia Type 1 and no experimental evidence demonstrating its impact on protein function have been reported. Two clinical diagnostic laboratories have submitted clinical-significance assessments for this variant to ClinVar after 2014 without evidence for independent evaluation, classifying the variant as likely benign (n=1) or uncertain significance (n=1). Based on the evidence outlined above, the variant was classified as uncertain significance.

Genomic Research Center, Shahid Beheshti University of Medical Sciences
Classification: Uncertain significance for Glutaric aciduria, type 1. Last evaluated: 2016-05-09. Review status: no assertion criteria provided. Collection method: clinical testing. Allele origin: inherited. Affected: no. Observed: 1 variant allele. Not counted in ClinVar's aggregate classification.

NM_000159.4(GCDH):c.826G>T (p.Val276Leu)

Gene: GCDH (glutaryl-CoA dehydrogenase; plus strand). Cytogenetic location: 19p13.13.
Variant type: single nucleotide variant.
Coding change: c.826G>T on transcript NM_000159.4 (MANE Select); coding-DNA position 826, G replaced by T.
Protein change: p.Val276Leu; replaces valine 276 with leucine.
Molecular consequence: missense variant. On other transcripts: non-coding transcript variant (2).
Genome position (GRCh38, 1-based): chr19:12,896,395, G>T. VCF-style: chr19-12896395-G-T. GRCh37 (hg19) VCF-style: chr19-13007209-G-T.
Other names: c.826G>T, p.Val276Leu (NM_013976.5); c.826G>T (NM_000159.2); short protein forms V276L.
Identifiers: ClinVar variation 226416 (VCV000226416.15), dbSNP rs763300541, ClinGen allele CA9234497.